The following is an entry in ClinVar:

ClinVar aggregate classification (germline): Pathogenic. Review status: criteria provided, multiple submitters, no conflicts (2 of 4 stars). 8 submissions from 8 submitters: Pathogenic (8). Last evaluated 2025-11-24.

Conditions:
Mitochondrial disease. Also called: Mitochondrial disorder; Mitochondrial disorders. Identifiers: Orphanet 68380, MedGen C0751651, MeSH D028361, MONDO:0044970.
Mitochondrial DNA depletion syndrome, myopathic form (MTDPS2). Also called: MITOCHONDRIAL DNA DEPLETION SYNDROME 2 (MYOPATHIC TYPE); MITOCHONDRIAL DNA DEPLETION MYOPATHY, TK2-RELATED; TK2-Related Mitochondrial DNA Maintenance Defect, Myopathic Form. Identifiers: Orphanet 254875, MedGen C3149750, MONDO:0012301, OMIM 609560.
Progressive external ophthalmoplegia with mitochondrial DNA deletions, autosomal recessive 3 (PEOB3). Also called: PROGRESSIVE EXTERNAL OPHTHALMOPLEGIA, AUTOSOMAL RECESSIVE 3. Identifiers: Orphanet 254886, MedGen C4310734, MONDO:0014898, OMIM 617069.
Mitochondrial DNA depletion syndrome. Also called: mitochondrial DNA depletion. Identifiers: Orphanet 35698, MedGen C0342782, MONDO:0018158.

Submissions (8):

Genomenon, Inc
Classification: Pathogenic for Mitochondrial disease. Last evaluated: 2025-11-24. Review status: criteria provided, single submitter. Criteria: Genomenon Sequence Variant Interpretation Standards - Updated. Collection method: curation. Allele origin: germline. Affected: yes.
Comment: TK2 p.Lys50IlefsTer99 (c.144_145del) is a frameshift variant that results in the production of a truncated protein which is predicted to have a deleterious effect on TK2 gene function. This variant has been observed in multiple probands affected with mitochondrial disease in the compound heterozygous state (33013660, 29602790). This variant is not present at a significant frequency in gnomAD. In conclusion, we classify TK2 p.Lys50IlefsTer99 (c.144_145del) as a pathogenic variant.

Labcorp Genetics (formerly Invitae), Labcorp
Classification: Pathogenic. Last evaluated: 2025-11-10. Review status: criteria provided, single submitter. Criteria: Invitae Variant Classification Sherloc (09022015). Collection method: clinical testing. Allele origin: germline.
Comment: This sequence change creates a premature translational stop signal (p.Lys50Ilefs*99) in the TK2 gene. It is expected to result in an absent or disrupted protein product. Loss-of-function variants in TK2 are known to be pathogenic (PMID: 20421844). This variant is present in population databases (no rsID available, gnomAD 0.002%). This premature translational stop signal has been observed in individual(s) with clinical features of TK2-related conditions (PMID: 29602790, 32348839). In at least one individual the data is consistent with being in trans (on the opposite chromosome) from a pathogenic variant. This variant is also known as c.144_145delTC. ClinVar contains an entry for this variant (Variation ID: 972912). For these reasons, this variant has been classified as Pathogenic.

Women's Health and Genetics/Laboratory Corporation of America, LabCorp
Classification: Pathogenic for Mitochondrial DNA depletion syndrome. Last evaluated: 2025-09-11. Review status: criteria provided, single submitter. Criteria: LabCorp Variant Classification Summary - May 2015. Collection method: clinical testing. Allele origin: germline.
Comment: Variant summary: TK2 c.144_145delGA (p.Lys50IlefsX99) results in a premature termination codon, predicted to cause absence of the protein due to nonsense mediated decay, which is a commonly known mechanism for disease. The variant allele was found at a frequency of 8e-06 in 251366 control chromosomes (gnomAD). c.144_145delGA has been observed in individuals affected with features of Mitochondrial DNA Depletion Syndrome - TK2 Related (e.g., Garone_2018, Hu_2020). These data indicate that the variant may be associated with disease. The following publications have been ascertained in the context of this evaluation (PMID: 29602790, 33013660). ClinVar contains an entry for this variant (Variation ID: 972912). Based on the evidence outlined above, the variant was classified as pathogenic.

Fulgent Genetics
Classification: Pathogenic for Mitochondrial DNA depletion syndrome, myopathic form; Progressive external ophthalmoplegia with mitochondrial DNA deletions, autosomal recessive 3. Last evaluated: 2024-06-05. Review status: criteria provided, single submitter. Criteria: ACMG Guidelines, 2015. Collection method: clinical testing. Allele origin: germline.

GeneDx
Classification: Pathogenic. Last evaluated: 2023-12-01. Review status: criteria provided, single submitter. Criteria: GeneDx Variant Classification Process June 2021. Collection method: clinical testing. Allele origin: germline. Affected: yes.
Comment: Frameshift variant predicted to result in protein truncation or nonsense mediated decay in a gene for which loss of function is a known mechanism of disease; Not observed at significant frequency in large population cohorts (gnomAD); This variant is associated with the following publications: (PMID: 33013660, 29602790, 32348839)

3billion
Classification: Pathogenic for Mitochondrial DNA depletion syndrome, myopathic form. Last evaluated: 2023-02-23. Review status: criteria provided, single submitter. Criteria: ACMG Guidelines, 2015. Collection method: clinical testing. Allele origin: unknown. Affected: yes.
Comment: The variant is observed at an extremely low frequency in the gnomAD v2.1.1 dataset (total allele frequency: <0.001%). This variant was predicted to result in a loss or disruption of normal protein function through nonsense-mediated decay (NMD) or protein truncation. Multiple pathogenic variants are reported downstream of the variant. The variant has been reported to be associated with TK2 related disorder (PMID: 29602790). Therefore, this variant is classified as Pathogenic according to the recommendation of ACMG/AMP guideline.

The Molecular Genetic and Pathologic Diagnosis Center of Neuromuscular Disorder, Children's Hospital of Fudan University
Classification: Pathogenic for mitochondrial DNA depletion syndrome 2 (myopathic type). Last evaluated: 2019-12-01. Review status: criteria provided, single submitter. Criteria: ACMG Guidelines, 2015. Collection method: clinical testing. Allele origin: germline. Affected: yes.

Pediatrics, Sichuan Provincial Hospital For Women And Children
Classification: Pathogenic for Mitochondrial DNA depletion syndrome, myopathic form. Review status: criteria provided, single submitter. Criteria: ACMG Guidelines, 2015. Collection method: provider interpretation. Allele origin: paternal. Inheritance: Autosomal recessive inheritance. Affected: yes. Observed: 1 hemizygote.
Comment: PVS1+PM2_Supporting+PM3_Strong

Literature cited by the submitters: PubMed 33013660 (cited by Genomenon, Inc and Women's Health and Genetics/Laboratory Corporation of America, LabCorp); PubMed 29602790 (cited by 4 submitters); PubMed 20421844 (cited by Labcorp Genetics (formerly Invitae), Labcorp); PubMed 32348839 (cited by Labcorp Genetics (formerly Invitae), Labcorp).

NM_004614.5(TK2):c.144_145del (p.Lys50fs)

Gene: TK2 (thymidine kinase 2; minus strand). Cytogenetic location: 16q21.
Variant type: Microsatellite.
Coding change: c.144_145del on transcript NM_004614.5 (MANE Select); coding-DNA positions 144 to 145, 2 bases deleted (GA; older notation c.144_145delGA).
Protein change: p.Lys50fs; shifts the reading frame from lysine 50.
Molecular consequence: frameshift variant. On other transcripts: 5 prime UTR variant (2), non-coding transcript variant (1).
Genome position (GRCh38, 1-based): chr16:66,548,989-66,548,990, TC deleted on the plus strand (GA on the coding strand, the reverse complement: TK2 is on the minus strand); deleting any 2 consecutive bases within chr16:66,548,989-66,548,993 gives the same sequence; the c. name uses the placement nearest the transcript's 3' end. VCF-style (leftmost placement, unchanged base first): chr16-66548988-TTC-T. GRCh37 (hg19) VCF-style: chr16-66582891-TTC-T.
Other names: c.51_52del, p.Lys19fs (NM_001172643.1, NM_001271935.1); c.144_145del, p.Lys50fs (NM_001172644.2, NM_001172645.2); c.-101GA[1] (NM_001271934.2); c.-150GA[1] (NM_001272050.2); c.144_145del (NM_004614.4); c.144_145delGA (NM_004614.5); short protein forms K19fs, K50fs.
Identifiers: ClinVar variation 972912 (VCV000972912.14), dbSNP rs1454450104, ClinGen allele CA623116072.